The following is an entry in ClinVar:

ClinVar aggregate classification (germline): Uncertain significance (1 of 4 stars; one submission).

Allele frequency attached by ClinVar (database versions not stated): gnomAD 0.00001; TOPMed 0.00001.
gnomAD v4.1: 2 of 1,612,734 alleles (0.00012%); highest among the groups gnomAD compares: African/African-American, 0.0027%; no homozygotes.

Submission:

Labcorp Genetics (formerly Invitae), Labcorp
Classification: Uncertain significance. Last evaluated: 2024-01-05. Review status: criteria provided, single submitter. Criteria: Invitae Variant Classification Sherloc (09022015). Collection method: clinical testing. Allele origin: germline.
Comment: This sequence change replaces proline, which is neutral and non-polar, with alanine, which is neutral and non-polar, at codon 730 of the STAG1 protein (p.Pro730Ala). This variant is present in population databases (no rsID available, gnomAD 0.007%). This variant has not been reported in the literature in individuals affected with STAG1-related conditions. Advanced modeling of protein sequence and biophysical properties (such as structural, functional, and spatial information, amino acid conservation, physicochemical variation, residue mobility, and thermodynamic stability) has been performed at Invitae for this missense variant, however the output from this modeling did not meet the statistical confidence thresholds required to predict the impact of this variant on STAG1 protein function. In summary, the available evidence is currently insufficient to determine the role of this variant in disease. Therefore, it has been classified as a Variant of Uncertain Significance.

NM_005862.3(STAG1):c.2188C>G (p.Pro730Ala)

Gene: STAG1 (STAG1 cohesin complex component; minus strand). Cytogenetic location: 3q22.3.
Variant type: single nucleotide variant.
Coding change: c.2188C>G on transcript NM_005862.3 (MANE Select); coding-DNA position 2188, C replaced by G.
Protein change: p.Pro730Ala; replaces proline 730 with alanine.
Molecular consequence: missense variant.
Genome position (GRCh38, 1-based): chr3:136,417,893, G>C on the plus strand (C>G on the coding strand, the complement: STAG1 is on the minus strand). VCF-style: chr3-136417893-G-C. GRCh37 (hg19) VCF-style: chr3-136136735-G-C.
Other names: short protein forms P730A.
Identifiers: ClinVar variation 2881071 (VCV002881071.3), dbSNP rs1486193461, ClinGen allele CA354642531.
Genomic context (GRCh38, chr3:136,417,893, plus strand): 5'-CAGAAAAACAACTTTCTAGAGTCATACAGAAGGAATACCAATAAACTCCTACCTGTTCTG[G>C]CATGGCTCCATGTTCAATTCCAGTCTTCAATAATCTGTAGCAATTACCAAAGAGATCCCA-3'
Protein context (NP_005853.2, residues 720-740): LKTGIEHGAM[Pro730Ala]EQIVVQALQC